The following is an entry in ClinVar:

NM_004006.3(DMD):c.5995A>G (p.Thr1999Ala)

Gene: DMD (dystrophin; minus strand). Cytogenetic location: Xp21.1.
Variant type: single nucleotide variant.
Coding change: c.5995A>G on transcript NM_004006.3 (MANE Select); coding-DNA position 5995, A replaced by G.
Protein change: p.Thr1999Ala; replaces threonine 1999 with alanine.
Molecular consequence: missense variant.
Genome position (GRCh38, 1-based): chrX:32,310,204, T>C on the plus strand (A>G on the coding strand, the complement: DMD is on the minus strand). VCF-style: chrX-32310204-T-C. GRCh37 (hg19) VCF-style: chrX-32328321-T-C.
Other names: c.5971A>G, p.Thr1991Ala (NM_000109.4); c.5983A>G, p.Thr1995Ala (NM_004009.3); c.5626A>G, p.Thr1876Ala (NM_004010.3); c.1972A>G, p.Thr658Ala (NM_004011.4); c.1963A>G, p.Thr655Ala (NM_004012.4); short protein forms T1876A, T1991A, T1995A, T1999A, T655A, T658A.
Identifiers: ClinVar variation 2684174 (VCV002684174.1), dbSNP rs2520269315, ClinGen allele CA412669921.

ClinVar aggregate classification (germline): Uncertain significance (1 of 4 stars; one submission).

Submission:

Athena Diagnostics
Classification: Uncertain significance. Last evaluated: 2023-01-04. Review status: criteria provided, single submitter. Criteria: Athena Diagnostics Criteria. Collection method: clinical testing. Allele origin: unknown.
Comment: Available data are insufficient to determine the clinical significance of the variant at this time. This variant has not been reported in large, multi-ethnic general populations. The variant is located in a region that is not considered important for protein function and/or structure. This variant has been seen where an alternate explanation for disease was also identified, suggesting this variant may not cause disease. According to published research, less than 2% of dystrophin-related disease is due to missense mutation (Flanigan, et al. 2009. Hum Mutat 30: 1657-66. PMID: 19937601).